The following is an entry in ClinVar:

ClinVar aggregate classification (germline): Conflicting classifications of pathogenicity. Review status: criteria provided, conflicting classifications (1 of 4 stars). 2 submissions from 2 submitters: Likely pathogenic (1); Uncertain significance (1). Last evaluated 2023-06-21.

Submissions (2):

GeneDx
Classification: Uncertain significance. Last evaluated: 2023-06-21. Review status: criteria provided, single submitter. Criteria: GeneDx Variant Classification Process June 2021. Collection method: clinical testing. Allele origin: germline. Affected: yes.
Comment: Not observed at significant frequency in large population cohorts (gnomAD); Nonsense variant predicted to result in protein truncation or nonsense mediated decay in a gene or region of a gene for which loss of function is not a well-established mechanism of disease; Has not been previously published as pathogenic or benign to our knowledge

Genomic Medicine Center of Excellence, King Faisal Specialist Hospital and Research Centre
Classification: Likely pathogenic. Review status: criteria provided, single submitter. Criteria: ACMG Guidelines, 2015. Collection method: research. Allele origin: germline. Affected: yes.

NM_002471.4(MYH6):c.1203C>A (p.Cys401Ter)

Gene: MYH6 (myosin heavy chain 6; minus strand). Cytogenetic location: 14q11.2.
Variant type: single nucleotide variant.
Coding change: c.1203C>A on transcript NM_002471.4 (MANE Select); coding-DNA position 1203, C replaced by A.
Protein change: p.Cys401Ter; replaces cysteine 401 with a stop codon.
Molecular consequence: nonsense.
Genome position (GRCh38, 1-based): chr14:23,400,916, G>T on the plus strand (C>A on the coding strand, the complement: MYH6 is on the minus strand). VCF-style: chr14-23400916-G-T. GRCh37 (hg19) VCF-style: chr14-23870125-G-T.
Other names: c.1203C>A (NM_002471.3); short protein forms C401*.
Identifiers: ClinVar variation 191043 (VCV000191043.2), dbSNP rs786205484, ClinGen allele CA235899.